The following is an entry in ClinVar:

NM_001330260.2(SCN8A):c.751C>G (p.Leu251Val)

Gene: SCN8A (sodium voltage-gated channel alpha subunit 8; plus strand). Cytogenetic location: 12q13.13.
Variant type: single nucleotide variant.
Coding change: c.751C>G on transcript NM_001330260.2 (MANE Select); coding-DNA position 751, C replaced by G.
Protein change: p.Leu251Val; replaces leucine 251 with valine.
Molecular consequence: missense variant.
Genome position (GRCh38, 1-based): chr12:51,699,614, C>G. VCF-style: chr12-51699614-C-G. GRCh37 (hg19) VCF-style: chr12-52093398-C-G.
Other names: c.751C>G, p.Leu251Val (NM_001177984.3, NM_001369788.1, NM_014191.4); short protein forms L251V.
Identifiers: ClinVar variation 2633506 (VCV002633506.1), dbSNP rs200307006, ClinGen allele CA385226443.

ClinVar aggregate classification (germline): Likely pathogenic (1 of 4 stars; one submission).

Conditions:
SCN8A-related disorder.

Submission:

PreventionGenetics, part of Exact Sciences
Classification: Likely pathogenic for SCN8A-related condition. Last evaluated: 2023-04-07. Review status: criteria provided, single submitter. Criteria: ACMG Guidelines, 2015. Collection method: clinical testing. Allele origin: germline.
Comment: The SCN8A c.751C>G variant is predicted to result in the amino acid substitution p.Leu251Val. To our knowledge, this variant has not been reported in the literature or in a large population database, indicating this variant is rare. A different substitution impacting the same amino acid (p.Leu251Pro) has been reported to have occurred de novo in patients with a diagnosis of Dravet syndrome/early infantile epileptic encephalopathy (Table 3-1 in Peng et al. 2019. PubMed ID: 29933521; Table S1 in Xiong et al. 2019. PubMed ID: 31031587; Supplemental Table 1 in Chen et al. 2021. PubMed ID: 34800434). At this time, the clinical significance of the c.751C>G (p.Leu251Val) variant is uncertain due to the absence of conclusive functional and genetic evidence.